The following is an entry in ClinVar:

NM_000334.4(SCN4A):c.737C>T (p.Ser246Leu)

Gene: SCN4A (sodium voltage-gated channel alpha subunit 4; minus strand). Cytogenetic location: 17q23.3.
Variant type: single nucleotide variant.
Coding change: c.737C>T on transcript NM_000334.4 (MANE Select); coding-DNA position 737, C replaced by T.
Protein change: p.Ser246Leu; replaces serine 246 with leucine.
Molecular consequence: missense variant.
Genome position (GRCh38, 1-based): chr17:63,968,322, G>A on the plus strand (C>T on the coding strand, the complement: SCN4A is on the minus strand). VCF-style: chr17-63968322-G-A. GRCh37 (hg19) VCF-style: chr17-62045682-G-A.
Other names: short protein forms S246L.
Identifiers: ClinVar variation 21161 (VCV000021161.8), dbSNP rs80338951, ClinGen allele CA210093.

ClinVar aggregate classification (germline): Uncertain significance. Review status: criteria provided, multiple submitters, no conflicts (2 of 4 stars). 5 submissions from 4 submitters: Uncertain significance (2). 3 of the submissions do not count toward it. Last evaluated 2025-10-16.

Conditions:
Congenital myasthenic syndrome (CMS). Also called: Congenital Myasthenic Syndromes. Identifiers: Orphanet 590, MedGen C0751882, MeSH D020294, MONDO:0018940.
Congenital myasthenic syndrome 16. Identifiers: Orphanet 590, MedGen C3280112, MONDO:0013620, OMIM 614198.
Hyperkalemic periodic paralysis. Also called: Gamstorp disease; Familial hyperkalemic periodic paralysis. Identifiers: Orphanet 682, MedGen C0238357, MONDO:0008224, OMIM 170500, HP:0007215.

Allele frequency attached by ClinVar (database versions not stated): gnomAD exomes below 0.00001.
gnomAD v4.1: 3 of 1,607,916 alleles (0.00019%); highest among the groups gnomAD compares: Non-Finnish European, 0.00026%; no homozygotes.

Submissions (5):

Labcorp Genetics (formerly Invitae), Labcorp
Classification: Uncertain significance for Hyperkalemic periodic paralysis. Last evaluated: 2025-10-16. Review status: criteria provided, single submitter. Criteria: Invitae Variant Classification Sherloc (09022015). Collection method: clinical testing. Allele origin: germline.
Comment: This sequence change replaces serine, which is neutral and polar, with leucine, which is neutral and non-polar, at codon 246 of the SCN4A protein (p.Ser246Leu). This variant is not present in population databases (gnomAD no frequency). This missense change has been observed in individual(s) with clinical features of myasthenic syndrome (PMID: 12766226). ClinVar contains an entry for this variant (Variation ID: 21161). Invitae Evidence Modeling of protein sequence and biophysical properties (such as structural, functional, and spatial information, amino acid conservation, physicochemical variation, residue mobility, and thermodynamic stability) indicates that this missense variant is expected to disrupt SCN4A protein function with a positive predictive value of 80%. Experimental studies have shown that this missense change affects SCN4A function (PMID: 12766226, 17008310, 30824560). In summary, the available evidence is currently insufficient to determine the role of this variant in disease. Therefore, it has been classified as a Variant of Uncertain Significance.

Women's Health and Genetics/Laboratory Corporation of America, LabCorp
Classification: Uncertain significance. Last evaluated: 2025-06-12. Review status: criteria provided, single submitter. Criteria: LabCorp Variant Classification Summary - May 2015. Collection method: clinical testing. Allele origin: germline.
Comment: Variant summary: SCN4A c.737C>T (p.Ser246Leu) results in a non-conservative amino acid change in the encoded protein sequence. Algorithms developed to predict the effect of missense changes on protein structure and function all suggest that this variant is likely to be disruptive. The variant was absent in 244802 control chromosomes (gnomAD). The available data on variant occurrences in the general population are insufficient to allow any conclusion about variant significance. c.737C>T has been observed in at least one individual affected with clinical features of congenital myasthenic syndrome (Tsujino_2003). The report does not provide unequivocal conclusions about association of the variant with Congenital Myopathy 22A, Classic. At least two publications report experimental evidence evaluating an impact on protein function, however, does not allow convincing conclusions about the variant effect (Tsujino_2003, Lampert_2006). The following publications have been ascertained in the context of this evaluation (PMID: 36090556, 17008310, 12766226). ClinVar contains an entry for this variant (Variation ID: 21161). Based on the evidence outlined above, the variant was classified as uncertain significance.

OMIM
Classification: Pathogenic for MYASTHENIC SYNDROME, CONGENITAL, 16. Last evaluated: 2003-06-10. Review status: no assertion criteria provided. Collection method: literature only. Allele origin: germline. Not counted in ClinVar's aggregate classification.

GeneReviews
No classification provided. Condition: Hyperkalemic periodic paralysis. Review status: no classification provided. Collection method: literature only. Allele origin: germline. Not counted in ClinVar's aggregate classification.

GeneReviews
No classification provided. Condition: Congenital myasthenic syndrome. Review status: no classification provided. Collection method: literature only. Allele origin: germline. Affected: yes. Not counted in ClinVar's aggregate classification.

Literature cited by the submitters: PubMed 12766226 (cited by 4 submitters); PubMed 17008310 (cited by Labcorp Genetics (formerly Invitae), Labcorp and Women's Health and Genetics/Laboratory Corporation of America, LabCorp); PubMed 30824560 (cited by Labcorp Genetics (formerly Invitae), Labcorp); PubMed 36090556 (cited by Women's Health and Genetics/Laboratory Corporation of America, LabCorp); NCBI Bookshelf NBK1496 (cited by GeneReviews); NCBI Bookshelf NBK1168 (cited by GeneReviews).